The following is an entry in ClinVar:

NM_000057.4(BLM):c.3514A>G (p.Met1172Val)

Gene: BLM (BLM RecQ like helicase; plus strand). Cytogenetic location: 15q26.1.
Variant type: single nucleotide variant.
Coding change: c.3514A>G on transcript NM_000057.4 (MANE Select); coding-DNA position 3514, A replaced by G.
Protein change: p.Met1172Val; replaces methionine 1172 with valine.
Molecular consequence: missense variant. On other transcripts: intron variant (1).
Genome position (GRCh38, 1-based): chr15:90,803,676, A>G. VCF-style: chr15-90803676-A-G. GRCh37 (hg19) VCF-style: chr15-91346906-A-G.
Other names: c.3514A>G, p.Met1172Val (NM_001287246.2); c.2389A>G, p.Met797Val (NM_001287248.2); c.3358+5339A>G (NM_001287247.2); short protein forms M1172V, M797V.
Identifiers: ClinVar variation 1732189 (VCV001732189.4), dbSNP rs745380387, ClinGen allele CA393847764.

ClinVar aggregate classification (germline): Uncertain significance. Review status: criteria provided, multiple submitters, no conflicts (2 of 4 stars). 2 submissions from 2 submitters: Uncertain significance (2). Last evaluated 2026-06-19.

Conditions:
Hereditary cancer-predisposing syndrome. Also called: Neoplastic Syndromes, Hereditary; Tumor predisposition; Hereditary neoplastic syndrome; Hereditary Cancer Syndrome. Identifiers: Orphanet 140162, MedGen C0027672, MeSH D009386, MONDO:0015356.

Allele frequency attached by ClinVar (database versions not stated): gnomAD 0.00001; TOPMed 0.00001.

Submissions (2):

Women's Health and Genetics/Laboratory Corporation of America, LabCorp
Classification: Uncertain significance. Last evaluated: 2026-06-19. Review status: criteria provided, single submitter. Criteria: LabCorp Variant Classification Summary - May 2015. Collection method: clinical testing. Allele origin: germline.

Ambry Genetics
Classification: Uncertain significance for Hereditary cancer-predisposing syndrome. Last evaluated: 2024-04-06. Review status: criteria provided, single submitter. Criteria: Ambry Variant Classification Scheme 2023. Collection method: clinical testing. Allele origin: germline.
Comment: The p.M1172V variant (also known as c.3514A>G), located in coding exon 17 of the BLM gene, results from an A to G substitution at nucleotide position 3514. The methionine at codon 1172 is replaced by valine, an amino acid with highly similar properties. This amino acid position is conserved. In addition, this alteration is predicted to be tolerated by in silico analysis. Since supporting evidence is limited at this time, the clinical significance of this alteration remains unclear.